The following is an entry in ClinVar:

NM_018089.3(ANKZF1):c.800A>G (p.Asn267Ser)

Gene: ANKZF1 (ankyrin repeat and zinc finger peptidyl tRNA hydrolase 1; plus strand). Cytogenetic location: 2q35.
Variant type: single nucleotide variant.
Coding change: c.800A>G on transcript NM_018089.3 (MANE Select); coding-DNA position 800, A replaced by G.
Protein change: p.Asn267Ser; replaces asparagine 267 with serine.
Molecular consequence: missense variant.
Genome position (GRCh38, 1-based): chr2:219,233,414, A>G. VCF-style: chr2-219233414-A-G. GRCh37 (hg19) VCF-style: chr2-220098136-A-G.
Other names: c.800A>G, p.Asn267Ser (NM_001042410.2); c.170A>G, p.Asn57Ser (NM_001282792.2); short protein forms N267S, N57S.
Identifiers: ClinVar variation 4702817 (VCV004702817.1).

ClinVar aggregate classification (germline): Uncertain significance (1 of 4 stars; one submission).

Submission:

Labcorp Genetics (formerly Invitae), Labcorp
Classification: Uncertain significance. Last evaluated: 2025-05-12. Review status: criteria provided, single submitter. Criteria: Invitae Variant Classification Sherloc (09022015). Collection method: clinical testing. Allele origin: germline.
Comment: This sequence change replaces asparagine, which is neutral and polar, with serine, which is neutral and polar, at codon 267 of the ANKZF1 protein (p.Asn267Ser). This variant is present in population databases (rs756143191, gnomAD 0.002%). This variant has not been reported in the literature in individuals affected with ANKZF1-related conditions. An algorithm developed to predict the effect of missense changes on protein structure and function outputs the following: PolyPhen-2: "Possibly Damaging". The serine amino acid residue is found in multiple mammalian species, which suggests that this missense change does not adversely affect protein function. In summary, the available evidence is currently insufficient to determine the role of this variant in disease. Therefore, it has been classified as a Variant of Uncertain Significance.